The following is an entry in ClinVar:

NM_001298.3(CNGA3):c.1316G>T (p.Arg439Leu)

Gene: CNGA3 (cyclic nucleotide gated channel subunit alpha 3; plus strand). Cytogenetic location: 2q11.2.
Variant type: single nucleotide variant.
Coding change: c.1316G>T on transcript NM_001298.3 (MANE Select); coding-DNA position 1316, G replaced by T.
Protein change: p.Arg439Leu; replaces arginine 439 with leucine.
Molecular consequence: missense variant.
Genome position (GRCh38, 1-based): chr2:98,396,486, G>T. VCF-style: chr2-98396486-G-T. GRCh37 (hg19) VCF-style: chr2-99012949-G-T.
Other names: c.1262G>T, p.Arg421Leu (NM_001079878.2); short protein forms R421L, R439L.
Identifiers: ClinVar variation 1482101 (VCV001482101.8), dbSNP rs760376435, ClinGen allele CA347833291.

ClinVar aggregate classification (germline): Uncertain significance (1 of 4 stars; one submission).

Submission:

Labcorp Genetics (formerly Invitae), Labcorp
Classification: Uncertain significance. Last evaluated: 2021-02-21. Review status: criteria provided, single submitter. Criteria: Invitae Variant Classification Sherloc (09022015). Collection method: clinical testing. Allele origin: germline.
Comment: This sequence change replaces arginine with leucine at codon 439 of the CNGA3 protein (p.Arg439Leu). The arginine residue is moderately conserved and there is a moderate physicochemical difference between arginine and leucine. This variant is not present in population databases (ExAC no frequency). In summary, the available evidence is currently insufficient to determine the role of this variant in disease. Therefore, it has been classified as a Variant of Uncertain Significance. This variant disrupts the p.Arg439 amino acid residue in CNGA3. Other variant(s) that disrupt this residue have been determined to be pathogenic (PMID: 18521937, 24903488, 24148654). This suggests that this residue is clinically significant, and that variants that disrupt this residue are likely to be disease-causing. Algorithms developed to predict the effect of missense changes on protein structure and function are either unavailable or do not agree on the potential impact of this missense change (SIFT: "Deleterious"; PolyPhen-2: "Benign"; Align-GVGD: "Class C0"). This variant has not been reported in the literature in individuals with CNGA3-related conditions.

Literature cited by the submitters: PubMed 18521937; PubMed 24903488; PubMed 24148654.